The following is an entry in ClinVar:

ClinVar aggregate classification (germline): Uncertain significance (1 of 4 stars; one submission).

Conditions:
Hereditary sensory neuropathy-deafness-dementia syndrome. Also called: NEUROPATHY, HEREDITARY SENSORY, WITH HEARING LOSS AND DEMENTIA; Hereditary Sensory and Autonomic Neuropathy Type 1E (HSAN1E); HSN IE; Hereditary sensory neuropathy type IE. Identifiers: Orphanet 456318, MedGen C3279885, MONDO:0013584, OMIM 614116.

Submission:

Labcorp Genetics (formerly Invitae), Labcorp
Classification: Uncertain significance for Hereditary sensory neuropathy-deafness-dementia syndrome. Last evaluated: 2022-01-02. Review status: criteria provided, single submitter. Criteria: Invitae Variant Classification Sherloc (09022015). Collection method: clinical testing. Allele origin: germline.
Comment: This sequence change replaces serine, which is neutral and polar, with cysteine, which is neutral and slightly polar, at codon 1493 of the DNMT1 protein (p.Ser1493Cys). This variant is not present in population databases (gnomAD no frequency). This variant has not been reported in the literature in individuals affected with DNMT1-related conditions. Algorithms developed to predict the effect of missense changes on protein structure and function are either unavailable or do not agree on the potential impact of this missense change (SIFT: "Deleterious"; PolyPhen-2: "Benign"; Align-GVGD: "Class C0"). In summary, the available evidence is currently insufficient to determine the role of this variant in disease. Therefore, it has been classified as a Variant of Uncertain Significance.

NM_001130823.3(DNMT1):c.4478C>G (p.Ser1493Cys)

Gene: DNMT1 (DNA methyltransferase 1; minus strand). Cytogenetic location: 19p13.2.
Variant type: single nucleotide variant.
Coding change: c.4478C>G on transcript NM_001130823.3 (MANE Select); coding-DNA position 4478, C replaced by G.
Protein change: p.Ser1493Cys; replaces serine 1493 with cysteine.
Molecular consequence: missense variant.
Genome position (GRCh38, 1-based): chr19:10,137,096, G>C on the plus strand (C>G on the coding strand, the complement: DNMT1 is on the minus strand). VCF-style: chr19-10137096-G-C. GRCh37 (hg19) VCF-style: chr19-10247772-G-C.
Other names: c.4430C>G, p.Ser1477Cys (NM_001318730.2, NM_001379.4); c.4115C>G, p.Ser1372Cys (NM_001318731.2); short protein forms S1493C, S1372C, S1477C.
Identifiers: ClinVar variation 2070470 (VCV002070470.4), dbSNP rs769347864, ClinGen allele CA403969224.